The following is an entry in ClinVar:

NM_005902.4(SMAD3):c.355G>A (p.Glu119Lys)

Gene: SMAD3 (SMAD family member 3; plus strand). Cytogenetic location: 15q22.33.
Variant type: single nucleotide variant.
Coding change: c.355G>A on transcript NM_005902.4 (MANE Select); coding-DNA position 355, G replaced by A.
Protein change: p.Glu119Lys; replaces glutamic acid 119 with lysine.
Molecular consequence: missense variant.
Genome position (GRCh38, 1-based): chr15:67,165,043, G>A. VCF-style: chr15-67165043-G-A. GRCh37 (hg19) VCF-style: chr15-67457381-G-A.
Other names: c.40G>A, p.Glu14Lys (NM_001145102.2); c.223G>A, p.Glu75Lys (NM_001145103.2); short protein forms E119K, E14K, E75K.
Identifiers: ClinVar variation 918860 (VCV000918860.4), dbSNP rs1165259401, ClinGen allele CA392954115.

ClinVar aggregate classification (germline): Uncertain significance. Review status: criteria provided, multiple submitters, no conflicts (2 of 4 stars). 2 submissions from 2 submitters: Uncertain significance (2). Last evaluated 2023-11-28.

Conditions:
Familial thoracic aortic aneurysm and aortic dissection (TAAD). Also called: Thoracic aortic aneurysms and dissections. Identifiers: Orphanet 91387, MedGen C4707243, MONDO:0019625.
Aneurysm-osteoarthritis syndrome. Also called: LOEYS-DIETZ SYNDROME WITH OSTEOARTHRITIS; SMAD3-Related Loeys-Dietz Syndrome; Loeys-Dietz syndrome, type 1C; ANEURYSMS-OSTEOARTHRITIS SYNDROME. Identifiers: Orphanet 284984, MedGen C3151087, MONDO:0013426, OMIM 613795.

Allele frequency attached by ClinVar (database versions not stated): gnomAD exomes below 0.00001; TOPMed below 0.00001; gnomAD 0.00001.
gnomAD v4.1: 4 of 1,614,048 alleles (0.00025%); highest among the groups gnomAD compares: African/African-American, 0.0027%; no homozygotes.

Submissions (2):

All of Us Research Program, National Institutes of Health
Classification: Uncertain significance for Aneurysm-osteoarthritis syndrome. Last evaluated: 2023-11-28. Review status: criteria provided, single submitter. Criteria: ACMG Guidelines, 2015. Collection method: clinical testing. Allele origin: germline. Inheritance: Autosomal dominant inheritance. Observed: 1 variant allele, 1 heterozygote.
Comment: This missense variant replaces glutamic acid with lysine at codon 119 of the SMAD3 protein. Computational prediction tools and conservation analyses are inconclusive regarding the impact of this variant on the protein function. Computational splicing tools suggest that this variant may not impact RNA splicing. To our knowledge, functional assays have not been performed for this variant nor has this variant been reported in individuals affected with cardiovascular disorders in the literature. This variant has been identified in 1/251422 chromosomes in the general population by the Genome Aggregation Database (gnomAD). Available evidence is insufficient to determine the role of this variant in disease conclusively. Therefore, this variant is classified as a Variant of Uncertain Significance.

This study involves interpretation of variants in research participants for the purpose of population health screening. Participant phenotype was not available at the time of variant classification. Additional details can be found in publication PMID: 35346344, PMCID: PMC8962531

Color Diagnostics, LLC DBA Color Health
Classification: Uncertain significance for Familial thoracic aortic aneurysm and aortic dissection. Last evaluated: 2019-07-25. Review status: criteria provided, single submitter. Criteria: ACMG Guidelines, 2015. Collection method: clinical testing. Allele origin: germline.
Comment: This missense variant replaces glutamic acid with lysine at codon 119 of the SMAD3 protein. Computational prediction tools and conservation analyses are inconclusive regarding the impact of this variant on the protein function. Computational splicing tools suggest that this variant may not impact RNA splicing. To our knowledge, functional assays have not been performed for this variant nor has this variant been reported in individuals affected with cardiovascular disorders in the literature. This variant has been identified in 1/251422 chromosomes in the general population by the Genome Aggregation Database (gnomAD). Available evidence is insufficient to determine the role of this variant in disease conclusively. Therefore, this variant is classified as a Variant of Uncertain Significance.